The following is an entry in ClinVar:

ClinVar aggregate classification (germline): Uncertain significance (1 of 4 stars; one submission).

Conditions:
Congenital myasthenic syndrome 2A. Also called: Myasthenic syndrome, congenital, 2a, slow-channel. Identifiers: Orphanet 590, MedGen C4225374, MONDO:0014581, OMIM 616313.

Submission:

Labcorp Genetics (formerly Invitae), Labcorp
Classification: Uncertain significance for Congenital myasthenic syndrome 2A. Last evaluated: 2021-12-02. Review status: criteria provided, single submitter. Criteria: Invitae Variant Classification Sherloc (09022015). Collection method: clinical testing. Allele origin: germline.
Comment: This sequence change replaces isoleucine, which is neutral and non-polar, with valine, which is neutral and non-polar, at codon 211 of the CHRNB1 protein (p.Ile211Val). This variant is not present in population databases (gnomAD no frequency). This variant has not been reported in the literature in individuals affected with CHRNB1-related conditions. ClinVar contains an entry for this variant (Variation ID: 1035866). Advanced modeling of protein sequence and biophysical properties (such as structural, functional, and spatial information, amino acid conservation, physicochemical variation, residue mobility, and thermodynamic stability) performed at Invitae indicates that this missense variant is not expected to disrupt CHRNB1 protein function. In summary, the available evidence is currently insufficient to determine the role of this variant in disease. Therefore, it has been classified as a Variant of Uncertain Significance.

NM_000747.3(CHRNB1):c.631A>G (p.Ile211Val)

Gene: CHRNB1 (cholinergic receptor nicotinic beta 1 subunit; plus strand). Cytogenetic location: 17p13.1.
Variant type: single nucleotide variant.
Coding change: c.631A>G on transcript NM_000747.3 (MANE Select); coding-DNA position 631, A replaced by G.
Protein change: p.Ile211Val; replaces isoleucine 211 with valine.
Molecular consequence: missense variant.
Genome position (GRCh38, 1-based): chr17:7,448,599, A>G. VCF-style: chr17-7448599-A-G. GRCh37 (hg19) VCF-style: chr17-7351918-A-G.
Other names: short protein forms I211V.
Identifiers: ClinVar variation 1035866 (VCV001035866.7), dbSNP rs1908757011, ClinGen allele CA397793780.